The following is an entry in ClinVar:

NM_006908.5(RAC1):c.226-1414G>A

Gene: RAC1 (Rac family small GTPase 1; plus strand). Cytogenetic location: 7p22.1.
Variant type: single nucleotide variant.
Coding change: c.226-1414G>A on transcript NM_006908.5 (MANE Select); 1414 bases into the intron before coding-DNA position 226, G replaced by A.
Molecular consequence: intron variant. On other transcripts: synonymous variant (1).
Genome position (GRCh38, 1-based): chr7:6,398,712, G>A. VCF-style: chr7-6398712-G-A. GRCh37 (hg19) VCF-style: chr7-6438343-G-A.
Other names: c.276G>A, p.Pro92= (NM_018890.4).
Identifiers: ClinVar variation 3039698 (VCV003039698.2), dbSNP rs148122613, ClinGen allele CA4153690.

ClinVar aggregate classification (germline): Likely benign (0 of 4 stars; one submission).

Conditions:
RAC1-related disorder. Also called: RAC1-related condition.

Allele frequency attached by ClinVar (database versions not stated): gnomAD exomes 0.00002; ExAC 0.00009; gnomAD 0.00016; TOPMed 0.00032; ESP Exome Variant Server 0.00046.
gnomAD v4.1: 57 of 1,613,422 alleles (0.0035%); highest among the groups gnomAD compares: African/African-American, 0.045%; no homozygotes.

Submission:

PreventionGenetics, part of Exact Sciences
Classification: Likely benign for RAC1-related condition. Last evaluated: 2019-05-23. Review status: no assertion criteria provided. Collection method: clinical testing. Allele origin: germline.
Comment: This variant is classified as likely benign based on ACMG/AMP sequence variant interpretation guidelines (Richards et al. 2015 PMID: 25741868, with internal and published modifications).